The following is an entry in ClinVar:

NM_001830.4(CLCN4):c.1802G>A (p.Arg601Gln)

Gene: CLCN4 (Cl-/H+ antiporter 4; plus strand). Cytogenetic location: Xp22.2.
Variant type: single nucleotide variant.
Coding change: c.1802G>A on transcript NM_001830.4 (MANE Select); coding-DNA position 1802, G replaced by A.
Protein change: p.Arg601Gln; replaces arginine 601 with glutamine.
Molecular consequence: missense variant.
Genome position (GRCh38, 1-based): chrX:10,213,906, G>A. VCF-style: chrX-10213906-G-A. GRCh37 (hg19) VCF-style: chrX-10181946-G-A.
Other names: c.1520G>A, p.Arg507Gln (NM_001256944.2); short protein forms R601Q, R507Q.
Identifiers: ClinVar variation 3683238 (VCV003683238.2).

ClinVar aggregate classification (germline): Uncertain significance (1 of 4 stars; one submission).

gnomAD v4.1: 1 of 1,211,416 alleles (0.000083%); highest among the groups gnomAD compares: Non-Finnish European, 0.00011%; no homozygotes.

Submission:

Labcorp Genetics (formerly Invitae), Labcorp
Classification: Uncertain significance. Last evaluated: 2025-02-12. Review status: criteria provided, single submitter. Criteria: Invitae Variant Classification Sherloc (09022015). Collection method: clinical testing. Allele origin: germline.
Comment: This sequence change replaces arginine, which is basic and polar, with glutamine, which is neutral and polar, at codon 601 of the CLCN4 protein (p.Arg601Gln). The frequency data for this variant in the population databases is considered unreliable, as metrics indicate poor data quality at this position in the gnomAD database. This variant has not been reported in the literature in individuals affected with CLCN4-related conditions. Invitae Evidence Modeling of protein sequence and biophysical properties (such as structural, functional, and spatial information, amino acid conservation, physicochemical variation, residue mobility, and thermodynamic stability) indicates that this missense variant is not expected to disrupt CLCN4 protein function with a negative predictive value of 95%. In summary, the available evidence is currently insufficient to determine the role of this variant in disease. Therefore, it has been classified as a Variant of Uncertain Significance.